The following is an entry in ClinVar:

NM_001177701.3(IFT27):c.262G>A (p.Val88Ile)

Genes: CACNG2-DT (CACNG2 divergent transcript; plus strand), IFT27 (intraflagellar transport 27; minus strand). Cytogenetic location: 22q12.3.
Variant type: single nucleotide variant.
Coding change: c.262G>A on transcript NM_001177701.3 (MANE Select); coding-DNA position 262, G replaced by A.
Protein change: p.Val88Ile; replaces valine 88 with isoleucine.
Molecular consequence: missense variant.
Genome position (GRCh38, 1-based): chr22:36,764,009, C>T on the plus strand (G>A on the coding strand, the complement: IFT27 is on the minus strand). VCF-style: chr22-36764009-C-T. GRCh37 (hg19) VCF-style: chr22-37160053-C-T.
Other names: c.262G>A, p.Val88Ile (NM_001363003.2); c.259G>A, p.Val87Ile (NM_006860.5); short protein forms V87I, V88I.
Identifiers: ClinVar variation 942798 (VCV000942798.11), dbSNP rs756787825, ClinGen allele CA10212421.

ClinVar aggregate classification (germline): Uncertain significance. Review status: criteria provided, multiple submitters, no conflicts (2 of 4 stars). 2 submissions from 2 submitters: Uncertain significance (2). Last evaluated 2025-08-18.

Conditions:
IFT27-related disorder. Also called: IFT27-related condition.

Allele frequency attached by ClinVar (database versions not stated): gnomAD 0.00001; ExAC 0.00002; gnomAD exomes 0.00002 and 0.00006; TOPMed 0.00002.
gnomAD v4.1: 36 of 1,613,890 alleles (0.0022%); highest among the groups gnomAD compares: Admixed American, 0.015%; no homozygotes.

Submissions (2):

PreventionGenetics, part of Exact Sciences
Classification: Uncertain significance for IFT27-related condition. Last evaluated: 2025-08-18. Review status: criteria provided, single submitter. Criteria: ACMG Guidelines, 2015. Collection method: clinical testing. Allele origin: germline.
Comment: The IFT27 c.259G>A variant is predicted to result in the amino acid substitution p.Val87Ile. To our knowledge, this variant has not been reported in the literature. This variant is reported in 0.026% of alleles in individuals of Latino descent in gnomAD. At this time, the clinical significance of this variant is uncertain due to the absence of conclusive functional and genetic evidence.

Labcorp Genetics (formerly Invitae), Labcorp
Classification: Uncertain significance. Last evaluated: 2024-05-08. Review status: criteria provided, single submitter. Criteria: Invitae Variant Classification Sherloc (09022015). Collection method: clinical testing. Allele origin: germline.
Comment: This sequence change replaces valine, which is neutral and non-polar, with isoleucine, which is neutral and non-polar, at codon 87 of the IFT27 protein (p.Val87Ile). This variant is present in population databases (rs756787825, gnomAD 0.03%). This variant has not been reported in the literature in individuals affected with IFT27-related conditions. ClinVar contains an entry for this variant (Variation ID: 942798). Advanced modeling of protein sequence and biophysical properties (such as structural, functional, and spatial information, amino acid conservation, physicochemical variation, residue mobility, and thermodynamic stability) performed at Invitae indicates that this missense variant is expected to disrupt IFT27 protein function with a positive predictive value of 95%. In summary, the available evidence is currently insufficient to determine the role of this variant in disease. Therefore, it has been classified as a Variant of Uncertain Significance.